The following is an entry in ClinVar:

ClinVar aggregate classification (germline): Likely benign. Review status: criteria provided, multiple submitters, no conflicts (2 of 4 stars). 4 submissions from 4 submitters: Likely benign (4). Last evaluated 2026-01-11.

Conditions:
SIX6-related disorder. Also called: SIX6-related condition.

Allele frequency attached by ClinVar (database versions not stated): ESP Exome Variant Server 0.00008; TOPMed 0.00032; gnomAD exomes 0.00035 and 0.00046; gnomAD 0.00038; ExAC 0.00046.
gnomAD v4.1: 567 of 1,612,760 alleles (0.035%); highest among the groups gnomAD compares: Middle Eastern, 0.082%; no homozygotes.

Submissions (4):

Labcorp Genetics (formerly Invitae), Labcorp
Classification: Likely benign. Last evaluated: 2026-01-11. Review status: criteria provided, single submitter. Criteria: Invitae Variant Classification Sherloc (09022015). Collection method: clinical testing. Allele origin: germline.

PreventionGenetics, part of Exact Sciences
Classification: Likely benign for SIX6-related condition. Last evaluated: 2025-07-23. Review status: criteria provided, single submitter. Criteria: ACMG Guidelines, 2015. Collection method: clinical testing. Allele origin: germline.
Comment: This variant is classified as likely benign based on ACMG/AMP sequence variant interpretation guidelines (Richards et al. 2015 PMID: 25741868, with internal and published modifications).

Blueprint Genetics
Classification: Likely benign. Last evaluated: 2024-11-26. Review status: criteria provided, single submitter. Criteria: ACMG Guidelines, 2015. Collection method: clinical testing. Allele origin: germline.

CeGaT Center for Human Genetics Tuebingen
Classification: Likely benign. Last evaluated: 2022-05-01. Review status: criteria provided, single submitter. Criteria: CeGaT Center For Human Genetics Tuebingen Variant Classification Criteria Version 2. Collection method: clinical testing. Allele origin: germline. Affected: yes. Observed: 1 variant allele.
Comment: SIX6: BP4, BP7

NM_007374.3(SIX6):c.174C>T (p.Ala58=)

Genes: C14orf39 (chromosome 14 open reading frame 39; minus strand), SIX6 (SIX homeobox 6; plus strand). Cytogenetic location: 14q23.1.
Variant type: single nucleotide variant.
Coding change: c.174C>T on transcript NM_007374.3 (MANE Select); coding-DNA position 174, C replaced by T.
Protein change: p.Ala58=; no amino-acid change (alanine 58 retained).
Molecular consequence: synonymous variant.
Genome position (GRCh38, 1-based): chr14:60,509,572, C>T. VCF-style: chr14-60509572-C-T. GRCh37 (hg19) VCF-style: chr14-60976290-C-T.
Identifiers: ClinVar variation 771259 (VCV000771259.35), dbSNP rs201838922, ClinGen allele CA7212565.
Genomic context (GRCh38, chr14:60,509,572, plus strand): 5'-CGTGGCCCCTGCGGCCTGCGAGGCCCTCAACAAGAATGAGTCGGTGCTACGCGCACGAGC[C>T]ATCGTGGCCTTTCACGGTGGCAACTACCGCGAGCTCTATCATATCCTGGAAAACCACAAG-3'
Protein context (NP_031400.2, residues 48-68): NKNESVLRAR[Ala58=]IVAFHGGNYR